The following is an entry in ClinVar:

ClinVar aggregate classification (germline): Uncertain significance. Review status: criteria provided, multiple submitters, no conflicts (2 of 4 stars). 2 submissions from 2 submitters: Uncertain significance (2). Last evaluated 2023-12-15.

Allele frequency attached by ClinVar (database versions not stated): 1000 Genomes Project 0.00040; 1000 Genomes Project 30x 0.00047.
gnomAD v4.1: 124 of 1,614,226 alleles (0.0077%); highest among the groups gnomAD compares: Admixed American, 0.057%; no homozygotes.

Submissions (2):

Ambry Genetics
Classification: Uncertain significance. Last evaluated: 2023-12-15. Review status: criteria provided, single submitter. Criteria: Ambry Variant Classification Scheme 2023. Collection method: clinical testing. Allele origin: germline.

Labcorp Genetics (formerly Invitae), Labcorp
Classification: Uncertain significance. Last evaluated: 2022-03-14. Review status: criteria provided, single submitter. Criteria: Invitae Variant Classification Sherloc (09022015). Collection method: clinical testing. Allele origin: germline.
Comment: In summary, the available evidence is currently insufficient to determine the role of this variant in disease. Therefore, it has been classified as a Variant of Uncertain Significance. Algorithms developed to predict the effect of missense changes on protein structure and function are either unavailable or do not agree on the potential impact of this missense change (SIFT: "Deleterious"; PolyPhen-2: "Probably Damaging"; Align-GVGD: "Class C0"). This variant has not been reported in the literature in individuals affected with KRT71-related conditions. This variant is present in population databases (rs150003981, gnomAD 0.05%). This sequence change replaces arginine, which is basic and polar, with glutamine, which is neutral and polar, at codon 410 of the KRT71 protein (p.Arg410Gln).

NM_033448.3(KRT71):c.1229G>A (p.Arg410Gln)

Gene: KRT71 (keratin 71; minus strand). Cytogenetic location: 12q13.13.
Variant type: single nucleotide variant.
Coding change: c.1229G>A on transcript NM_033448.3 (MANE Select); coding-DNA position 1229, G replaced by A.
Protein change: p.Arg410Gln; replaces arginine 410 with glutamine.
Molecular consequence: missense variant.
Genome position (GRCh38, 1-based): chr12:52,546,382, C>T on the plus strand (G>A on the coding strand, the complement: KRT71 is on the minus strand). VCF-style: chr12-52546382-C-T. GRCh37 (hg19) VCF-style: chr12-52940166-C-T.
Other names: c.1229G>A (NM_033448.2); short protein forms R410Q.
Identifiers: ClinVar variation 2067493 (VCV002067493.5), dbSNP rs150003981, ClinGen allele CA6583141.